The following is an entry in ClinVar:

ClinVar aggregate classification (germline): Benign/Likely benign. Review status: criteria provided, multiple submitters, no conflicts (2 of 4 stars). 3 submissions from 3 submitters: Benign (1); Likely benign (2). Last evaluated 2025-06-10.

Conditions:
Chuvash polycythemia. Also called: POLYCYTHEMIA, VHL-DEPENDENT. Identifiers: Orphanet 238557, MedGen C1837915, MONDO:0009892, OMIM 263400.
Von Hippel-Lindau syndrome (VHLS). Also called: Von Hippel-Lindau; VHL syndrome; von Hippel–Lindau syndrome. Identifiers: Orphanet 892, MedGen C0019562, MONDO:0008667, OMIM 193300. Disease mechanism: loss of function.
Hereditary cancer-predisposing syndrome. Also called: Neoplastic Syndromes, Hereditary; Tumor predisposition; Hereditary neoplastic syndrome; Hereditary Cancer Syndrome. Identifiers: Orphanet 140162, MedGen C0027672, MeSH D009386, MONDO:0015356.

Allele frequency attached by ClinVar (database versions not stated): gnomAD exomes below 0.00001.
gnomAD v4.1: 1 of 1,601,080 alleles (0.000062%); highest among the groups gnomAD compares: Admixed American, 0.0017%; no homozygotes.

Submissions (3):

Myriad Genetics, Inc.
Classification: Benign for Von Hippel-Lindau syndrome. Last evaluated: 2025-06-10. Review status: criteria provided, single submitter. Criteria: Myriad Autosomal Dominant, Autosomal Recessive and X-Linked Classification Criteria (2023). Collection method: clinical testing. Allele origin: unknown.
Comment: This variant is considered benign. This variant is a silent/synonymous amino acid change and it is not expected to impact splicing.

Labcorp Genetics (formerly Invitae), Labcorp
Classification: Likely benign for Von Hippel-Lindau syndrome; Chuvash polycythemia. Last evaluated: 2024-03-26. Review status: criteria provided, single submitter. Criteria: Invitae Variant Classification Sherloc (09022015). Collection method: clinical testing. Allele origin: germline.

Ambry Genetics
Classification: Likely benign for Hereditary cancer-predisposing syndrome. Last evaluated: 2021-03-08. Review status: criteria provided, single submitter. Criteria: Ambry Variant Classification Scheme 2023. Collection method: clinical testing. Allele origin: germline.

NM_000551.4(VHL):c.273C>T (p.Phe91=)

Gene: VHL (von Hippel-Lindau tumor suppressor; plus strand). Cytogenetic location: 3p25.3.
Variant type: single nucleotide variant.
Coding change: c.273C>T on transcript NM_000551.4 (MANE Select); coding-DNA position 273, C replaced by T.
Protein change: p.Phe91=; no amino-acid change (phenylalanine 91 retained).
Molecular consequence: synonymous variant. On other transcripts: non-coding transcript variant (1).
Genome position (GRCh38, 1-based): chr3:10,142,120, C>T. VCF-style: chr3-10142120-C-T. GRCh37 (hg19) VCF-style: chr3-10183804-C-T.
Other names: c.273C>T, p.Phe91= (NM_001354723.2, NM_198156.3).
Identifiers: ClinVar variation 1795409 (VCV001795409.8), dbSNP rs1060503563, ClinGen allele CA432420497.
Genomic context (GRCh38, chr3:10,142,120, plus strand): 5'-CTCCCAGGTCATCTTCTGCAATCGCAGTCCGCGCGTCGTGCTGCCCGTATGGCTCAACTT[C>T]GACGGCGAGCCGCAGCCCTACCCAACGCTGCCGCCTGGCACGGGCCGCCGCATCCACAGC-3'
Protein context (NP_000542.1, residues 81-101): PRVVLPVWLN[Phe91=]DGEPQPYPTL